The following is an entry in ClinVar:

NM_020433.5(JPH2):c.1022A>G (p.Tyr341Cys)

Gene: JPH2 (junctophilin 2; minus strand). Cytogenetic location: 20q13.12.
Variant type: single nucleotide variant.
Coding change: c.1022A>G on transcript NM_020433.5 (MANE Select); coding-DNA position 1022, A replaced by G.
Protein change: p.Tyr341Cys; replaces tyrosine 341 with cysteine.
Molecular consequence: missense variant.
Genome position (GRCh38, 1-based): chr20:44,159,765, T>C on the plus strand (A>G on the coding strand, the complement: JPH2 is on the minus strand). VCF-style: chr20-44159765-T-C. GRCh37 (hg19) VCF-style: chr20-42788405-T-C.
Other names: short protein forms Y341C.
Identifiers: ClinVar variation 2451754 (VCV002451754.3), dbSNP rs2072592330, ClinGen allele CA409093170.

ClinVar aggregate classification (germline): Uncertain significance. Review status: criteria provided, multiple submitters, no conflicts (2 of 4 stars). 2 submissions from 2 submitters: Uncertain significance (2). Last evaluated 2024-10-28.

Conditions:
Cardiovascular phenotype. Identifiers: MedGen CN230736.

Allele frequency attached by ClinVar (database versions not stated): gnomAD exomes below 0.00001.
gnomAD v4.1: 1 of 1,613,454 alleles (0.000062%); highest among the groups gnomAD compares: African/African-American, 0.0013%; no homozygotes.

Submissions (2):

GeneDx
Classification: Uncertain significance. Last evaluated: 2024-10-28. Review status: criteria provided, single submitter. Criteria: GeneDx Variant Classification Process June 2021. Collection method: clinical testing. Allele origin: germline. Affected: yes.
Comment: Has not been previously published as pathogenic or benign to our knowledge; Not observed at significant frequency in large population cohorts (gnomAD); In silico analysis supports that this missense variant has a deleterious effect on protein structure/function

Ambry Genetics
Classification: Uncertain significance for Cardiovascular phenotype. Last evaluated: 2023-02-12. Review status: criteria provided, single submitter. Criteria: Ambry Variant Classification Scheme 2023. Collection method: clinical testing. Allele origin: germline.
Comment: The p.Y341C variant (also known as c.1022A>G), located in coding exon 2 of the JPH2 gene, results from an A to G substitution at nucleotide position 1022. The tyrosine at codon 341 is replaced by cysteine, an amino acid with highly dissimilar properties. This amino acid position is conserved. In addition, this alteration is predicted to be deleterious by in silico analysis. Since supporting evidence is limited at this time, the clinical significance of this alteration remains unclear.